The following is an entry in ClinVar:

ClinVar aggregate classification (germline): Benign/Likely benign. Review status: criteria provided, multiple submitters, no conflicts (2 of 4 stars). 6 submissions from 6 submitters: Benign (4); Likely benign (1). 1 of the submissions does not count toward it. Last evaluated 2026-02-03.

Conditions:
Inborn genetic diseases. Identifiers: MedGen C0950123, MeSH D030342.

Allele frequency attached by ClinVar (database versions not stated): gnomAD 0.08065 and 0.08030; 1000 Genomes Project 30x 0.09744; gnomAD exomes 0.06423; TOPMed 0.09566.

Submissions 1 to 32 of 74:

Labcorp Genetics (formerly Invitae), Labcorp
Classification: Benign. Last evaluated: 2026-02-03. Review status: criteria provided, single submitter. Criteria: Invitae Variant Classification Sherloc (09022015). Collection method: clinical testing. Allele origin: germline.

GeneDx
Classification: Benign. Last evaluated: 2018-07-09. Review status: criteria provided, single submitter. Criteria: GeneDx Variant Classification Process June 2021. Collection method: clinical testing. Allele origin: germline. Affected: yes.

Ambry Genetics
Classification: Benign for Inborn genetic diseases. Last evaluated: 2016-03-11. Review status: criteria provided, single submitter. Criteria: Ambry Variant Classification Scheme 2023. Collection method: clinical testing. Allele origin: germline.

Breakthrough Genomics
Classification: Likely benign. Review status: criteria provided, single submitter. Criteria: ACMG Guidelines, 2015. Collection method: not provided. Allele origin: germline. Inheritance: Autosomal recessive inheritance. Affected: yes.

PreventionGenetics, part of Exact Sciences
Classification: Benign. Review status: criteria provided, single submitter. Criteria: ACMG Guidelines, 2015. Collection method: clinical testing. Allele origin: germline.

Dr. Peter K. Rogan Lab, Western University
No classification provided (evidence only). Condition: Lung cancer. Review status: no classification provided. Collection method: in vitro. Allele origin: not applicable. Functional consequence: retained intron. Not counted in ClinVar's aggregate classification.

Dr. Peter K. Rogan Lab, Western University
No classification provided (evidence only). Condition: Lung cancer. Review status: no classification provided. Collection method: in vitro. Allele origin: not applicable. Functional consequence: retained intron. Not counted in ClinVar's aggregate classification.

Dr. Peter K. Rogan Lab, Western University
No classification provided (evidence only). Condition: Acute myeloid leukemia. Review status: no classification provided. Collection method: in vitro. Allele origin: not applicable. Functional consequence: retained intron. Not counted in ClinVar's aggregate classification.

Dr. Peter K. Rogan Lab, Western University
No classification provided (evidence only). Condition: Acute myeloid leukemia. Review status: no classification provided. Collection method: in vitro. Allele origin: not applicable. Functional consequence: retained intron. Not counted in ClinVar's aggregate classification.

Dr. Peter K. Rogan Lab, Western University
No classification provided (evidence only). Condition: Acute myeloid leukemia. Review status: no classification provided. Collection method: in vitro. Allele origin: not applicable. Functional consequence: retained intron. Not counted in ClinVar's aggregate classification.

Dr. Peter K. Rogan Lab, Western University
No classification provided (evidence only). Condition: Acute myeloid leukemia. Review status: no classification provided. Collection method: in vitro. Allele origin: not applicable. Functional consequence: retained intron. Not counted in ClinVar's aggregate classification.

Dr. Peter K. Rogan Lab, Western University
No classification provided (evidence only). Condition: Acute myeloid leukemia. Review status: no classification provided. Collection method: in vitro. Allele origin: not applicable. Functional consequence: retained intron. Not counted in ClinVar's aggregate classification.

Dr. Peter K. Rogan Lab, Western University
No classification provided (evidence only). Condition: Acute myeloid leukemia. Review status: no classification provided. Collection method: in vitro. Allele origin: not applicable. Functional consequence: retained intron. Not counted in ClinVar's aggregate classification.

Dr. Peter K. Rogan Lab, Western University
No classification provided (evidence only). Condition: Acute myeloid leukemia. Review status: no classification provided. Collection method: in vitro. Allele origin: not applicable. Functional consequence: skipped exon, retained intron. Not counted in ClinVar's aggregate classification.

Dr. Peter K. Rogan Lab, Western University
No classification provided (evidence only). Condition: Colon adenocarcinoma. Review status: no classification provided. Collection method: in vitro. Allele origin: not applicable. Functional consequence: retained intron. Not counted in ClinVar's aggregate classification.

Dr. Peter K. Rogan Lab, Western University
No classification provided (evidence only). Condition: Colon adenocarcinoma. Review status: no classification provided. Collection method: in vitro. Allele origin: not applicable. Functional consequence: skipped exon. Not counted in ClinVar's aggregate classification.

Dr. Peter K. Rogan Lab, Western University
No classification provided (evidence only). Condition: Colon adenocarcinoma. Review status: no classification provided. Collection method: in vitro. Allele origin: not applicable. Functional consequence: skipped exon, retained intron. Not counted in ClinVar's aggregate classification.

Dr. Peter K. Rogan Lab, Western University
No classification provided (evidence only). Condition: Colon adenocarcinoma. Review status: no classification provided. Collection method: in vitro. Allele origin: not applicable. Functional consequence: retained intron. Not counted in ClinVar's aggregate classification.

Dr. Peter K. Rogan Lab, Western University
No classification provided (evidence only). Condition: Colon adenocarcinoma. Review status: no classification provided. Collection method: in vitro. Allele origin: not applicable. Functional consequence: retained intron. Not counted in ClinVar's aggregate classification.

Dr. Peter K. Rogan Lab, Western University
No classification provided (evidence only). Condition: Nonpapillary renal cell carcinoma. Review status: no classification provided. Collection method: in vitro. Allele origin: not applicable. Functional consequence: retained intron. Not counted in ClinVar's aggregate classification.

Dr. Peter K. Rogan Lab, Western University
No classification provided (evidence only). Condition: Thymoma. Review status: no classification provided. Collection method: in vitro. Allele origin: not applicable. Functional consequence: retained intron. Not counted in ClinVar's aggregate classification.

Dr. Peter K. Rogan Lab, Western University
No classification provided (evidence only). Condition: Thymoma. Review status: no classification provided. Collection method: in vitro. Allele origin: not applicable. Functional consequence: skipped exon, retained intron. Not counted in ClinVar's aggregate classification.

Dr. Peter K. Rogan Lab, Western University
No classification provided (evidence only). Condition: Thymoma. Review status: no classification provided. Collection method: in vitro. Allele origin: not applicable. Functional consequence: skipped exon. Not counted in ClinVar's aggregate classification.

Dr. Peter K. Rogan Lab, Western University
No classification provided (evidence only). Condition: Ovarian serous cystadenocarcinoma. Review status: no classification provided. Collection method: in vitro. Allele origin: not applicable. Functional consequence: retained intron. Not counted in ClinVar's aggregate classification.

Dr. Peter K. Rogan Lab, Western University
No classification provided (evidence only). Condition: Ovarian serous cystadenocarcinoma. Review status: no classification provided. Collection method: in vitro. Allele origin: not applicable. Functional consequence: retained intron. Not counted in ClinVar's aggregate classification.

Dr. Peter K. Rogan Lab, Western University
No classification provided (evidence only). Condition: Ovarian serous cystadenocarcinoma. Review status: no classification provided. Collection method: in vitro. Allele origin: not applicable. Functional consequence: retained intron. Not counted in ClinVar's aggregate classification.

Dr. Peter K. Rogan Lab, Western University
No classification provided (evidence only). Condition: Ovarian serous cystadenocarcinoma. Review status: no classification provided. Collection method: in vitro. Allele origin: not applicable. Functional consequence: retained intron. Not counted in ClinVar's aggregate classification.

Dr. Peter K. Rogan Lab, Western University
No classification provided (evidence only). Condition: Ovarian serous cystadenocarcinoma. Review status: no classification provided. Collection method: in vitro. Allele origin: not applicable. Functional consequence: retained intron. Not counted in ClinVar's aggregate classification.

Dr. Peter K. Rogan Lab, Western University
No classification provided (evidence only). Condition: Gastric cancer. Review status: no classification provided. Collection method: in vitro. Allele origin: not applicable. Functional consequence: retained intron. Not counted in ClinVar's aggregate classification.

Dr. Peter K. Rogan Lab, Western University
No classification provided (evidence only). Condition: Adrenocortical carcinoma, hereditary. Review status: no classification provided. Collection method: in vitro. Allele origin: not applicable. Functional consequence: skipped exon. Not counted in ClinVar's aggregate classification.

Dr. Peter K. Rogan Lab, Western University
No classification provided (evidence only). Condition: Adrenocortical carcinoma, hereditary. Review status: no classification provided. Collection method: in vitro. Allele origin: not applicable. Functional consequence: skipped exon. Not counted in ClinVar's aggregate classification.

Dr. Peter K. Rogan Lab, Western University
No classification provided (evidence only). Condition: Adrenocortical carcinoma, hereditary. Review status: no classification provided. Collection method: in vitro. Allele origin: not applicable. Functional consequence: skipped exon. Not counted in ClinVar's aggregate classification.

NM_001160372.4(TRAPPC9):c.2799= (p.Gly933=)

Gene: TRAPPC9 (trafficking protein particle complex subunit 9; minus strand). Cytogenetic location: 8q24.3.
Variant type: single nucleotide variant.
Coding change: c.2799= on transcript NM_001160372.4 (MANE Select); coding-DNA position 2799, no change from the reference sequence.
Protein change: p.Gly933=; no amino-acid change (glycine 933 retained).
Molecular consequence: no sequence alteration. On other transcripts: non-coding transcript variant (1), intron variant (1).
Genome position: GRCh38 VCF-style: chr8-139988737-A-A. GRCh37 (hg19) VCF-style: chr8-140998945-G-A.
Other names: c.2772=, p.Gly924= (NM_001321646.2); c.2820=, p.Gly940= (NM_001374682.1); c.2655=, p.Gly885= (NM_001374684.1); c.2799=, p.Gly933= (NM_031466.8); c.2699+35200= (NM_001374683.1).
Identifiers: ClinVar variation 130630 (VCV000130630.26), dbSNP rs2614718.
Genomic context (GRCh38, chr8:139,988,737, plus strand): 5'-GAAGGCAGAGGGTGGCCTGCGGCGGCGCGAGGGTCTATGGGACACTTACCGCTGGCACTC[A=]CCGGCGTGCAGGATGAGTGCCTCGCTGCTCCTGGTGCTGACGGTCAGCTCATGCTCGGTG-3'
Protein context (NP_001153844.1, residues 923-943): RSSEALILHA[Gly933=]ECQRMAIQVD